The following is an entry in ClinVar:

NM_000051.4(ATM):c.2944C>T (p.Arg982Cys)

Gene: ATM (ATM serine/threonine kinase; plus strand). Cytogenetic location: 11q22.3.
Variant type: single nucleotide variant.
Coding change: c.2944C>T on transcript NM_000051.4 (MANE Select); coding-DNA position 2944, C replaced by T.
Protein change: p.Arg982Cys; replaces arginine 982 with cysteine.
Molecular consequence: missense variant.
Genome position (GRCh38, 1-based): chr11:108,271,273, C>T. VCF-style: chr11-108271273-C-T. GRCh37 (hg19) VCF-style: chr11-108142000-C-T.
Other names: p.R982C:CGT>TGT; c.2944C>T, p.Arg982Cys (NM_001351834.2); short protein forms R982C.
Identifiers: ClinVar variation 127363 (VCV000127363.33), dbSNP rs587779830, ClinGen allele CA286791.

ClinVar aggregate classification (germline): Uncertain significance. Review status: criteria provided, multiple submitters, no conflicts (2 of 4 stars). 10 submissions from 10 submitters: Uncertain significance (9). 1 of the submissions does not count toward it. Last evaluated 2026-09-25.

Conditions:
Hereditary cancer-predisposing syndrome. Also called: Tumor predisposition; Neoplastic Syndromes, Hereditary; Hereditary Cancer Syndrome; Hereditary neoplastic syndrome. Identifiers: Orphanet 140162, MedGen C0027672, MeSH D009386, MONDO:0015356.
Familial cancer of breast. Also called: BREAST CANCER, FAMILIAL; Hereditary breast cancer; hereditary breast carcinoma. Identifiers: Orphanet 227535, MedGen C0346153, MONDO:0016419, OMIM 114480. Disease mechanism: loss of function.
Ataxia-telangiectasia syndrome (AT). Also called: Cerebello-oculocutaneous telangiectasia; Immunodeficiency with ataxia telangiectasia; Ataxia-telangiectasia; LOUIS-BAR SYNDROME; Ataxia-telangiectasia, complementation group D; AT, COMPLEMENTATION GROUP C. Identifiers: Orphanet 100, MedGen C0004135, MONDO:0008840, OMIM 208900.

Allele frequency attached by ClinVar (database versions not stated): gnomAD exomes 0.00002; ExAC 0.00002; TOPMed 0.00002.

Submissions (10):

GeneDx
Classification: Uncertain significance. Last evaluated: 2026-09-25. Review status: criteria provided, single submitter. Criteria: GeneDx Variant Classification Process June 2021. Collection method: clinical testing. Allele origin: germline.
Comment: In silico analysis supports that this missense variant has a deleterious effect on protein structure/function; In silico analysis suggests this variant may impact gene splicing. In the absence of RNA/functional studies, the actual effect of this sequence change is unknown.; Not observed at significant frequency in large population cohorts (gnomAD); This variant is associated with the following publications: (PMID: 35982159, 19781682, 26181193, 28779002, 31729406, 35264596, 35982160, 38003901, 33436325, 36627197)

Labcorp Genetics (formerly Invitae), Labcorp
Classification: Uncertain significance for Ataxia-telangiectasia syndrome. Last evaluated: 2024-12-19. Review status: criteria provided, single submitter. Criteria: Invitae Variant Classification Sherloc (09022015). Collection method: clinical testing. Allele origin: germline.
Comment: This sequence change replaces arginine, which is basic and polar, with cysteine, which is neutral and slightly polar, at codon 982 of the ATM protein (p.Arg982Cys). This variant is present in population databases (rs587779830, gnomAD 0.007%). This missense change has been observed in individual(s) with prostate cancer or breast cancer (PMID: 33436325, 35264596). ClinVar contains an entry for this variant (Variation ID: 127363). Invitae Evidence Modeling of protein sequence and biophysical properties (such as structural, functional, and spatial information, amino acid conservation, physicochemical variation, residue mobility, and thermodynamic stability) has been performed for this missense variant. However, the output from this modeling did not meet the statistical confidence thresholds required to predict the impact of this variant on ATM protein function. RNA analysis performed to evaluate the impact of this missense change on mRNA splicing indicates it does not significantly alter splicing (internal data). In summary, the available evidence is currently insufficient to determine the role of this variant in disease. Therefore, it has been classified as a Variant of Uncertain Significance.

St. Jude Molecular Pathology, St. Jude Children's Research Hospital
Classification: Uncertain significance for Ataxia-telangiectasia syndrome. Last evaluated: 2024-08-15. Review status: criteria provided, single submitter. Criteria: St. Jude Assertion Criteria 2020. Collection method: clinical testing. Allele origin: germline.
Comment: The ATM c.2944C>T (p.Arg982Cys) missense change has a maximum subpopulation frequency of 0.007% in gnomAD v2.1.1. The in silico tool REVEL is inconclusive about a pathogenic or benign effect of this variant on protein function, and functional studies have not been performed. This variant has not been reported in individuals with ataxia telangiectasia. In summary, the evidence currently available is insufficient to determine the clinical significance of this variant. It has therefore been classified as of uncertain significance.

Color Diagnostics, LLC DBA Color Health
Classification: Uncertain significance for Hereditary cancer-predisposing syndrome. Last evaluated: 2024-05-24. Review status: criteria provided, single submitter. Criteria: ACMG Guidelines, 2015. Collection method: clinical testing. Allele origin: germline.
Comment: This missense variant replaces arginine with cysteine at codon 982 of the ATM protein. Computational prediction is inconclusive regarding the impact of this variant on protein structure and function. To our knowledge, functional studies have not been reported for this variant. This variant has been reported in individuals affected with breast cancer (PMID: 35264596, 38003901), prostate cancer (PMID: 33436325), and gastric cancer (PMID: 36627197). This variant has been identified in 5/251040 chromosomes in the general population by the Genome Aggregation Database (gnomAD). The available evidence is insufficient to determine the role of this variant in disease conclusively. Therefore, this variant is classified as a Variant of Uncertain Significance.

Ambry Genetics
Classification: Uncertain significance for Hereditary cancer-predisposing syndrome. Last evaluated: 2024-01-03. Review status: criteria provided, single submitter. Criteria: Ambry Variant Classification Scheme 2023. Collection method: clinical testing. Allele origin: germline.
Comment: The p.R982C variant (also known as c.2944C>T), located in coding exon 19 of the ATM gene, results from a C to T substitution at nucleotide position 2944. The arginine at codon 982 is replaced by cysteine, an amino acid with highly dissimilar properties. This alteration was detected in 1/1135 Chinese patients with gastric cancer (Zhang C et al. J Med Genet, 2023 Aug;60:760-768), in a cohort of 151 patients diagnosed with epithelial breast cancer in the southernmost region of Thailand (Sukpan P et al. J Pers Med, 2023 Nov;13), and was detected in a cohort of 1663 Brazilian breast cancer patients who underwent hereditary multigene panel testing (Guindalini RSC et al. Sci Rep, 2022 Mar;12:4190). This variant has been reported in 2/5560 prostate cancer cases and in 0/3353 controls of European ancestry (Karlsson Q et al. Eur Urol Oncol, 2021 Aug;4:570-579), and has also been reported in the germline of 1/8920 ethnically matched normal population control subjects but was not seen in 516 samples from a study of chronic lymphocytic leukemia patients of European descent (Tiao G et al. Leukemia, 2017 Oct;31:2244-2247). This alteration has also been reported in at least one subject in a study of 13087 breast cancer cases and 5488 control individuals in the UK (Decker B et al. J Med Genet, 2017 11;54:732-741). This amino acid position is well conserved in available vertebrate species. In addition, this alteration is predicted to be deleterious by in silico analysis. Since supporting evidence is limited at this time, the clinical significance of this alteration remains unclear.

Baylor Genetics
Classification: Uncertain significance for Familial cancer of breast. Last evaluated: 2023-09-25. Review status: criteria provided, single submitter. Criteria: ACMG Guidelines, 2015. Collection method: clinical testing. Allele origin: unknown.

Department of Pathology and Laboratory Medicine, Sinai Health System
Classification: Uncertain significance for Familial cancer of breast. Last evaluated: 2022-07-21. Review status: criteria provided, single submitter. Criteria: ACMG Guidelines, 2015. Collection method: research. Allele origin: germline.

Sema4
Classification: Uncertain significance for Hereditary cancer-predisposing syndrome. Last evaluated: 2021-11-22. Review status: criteria provided, single submitter. Criteria: Sema4 Curation Guidelines. Collection method: curation. Allele origin: germline.
Comment: The ATM c.2944C>T (p.R982C) missense variant has been reported in 2 individuals with prostate cancer and as a somatic variant in 2 individuals with colorectal and uterus cancer (PMID: 33436325, 31729406, 26181193). This variant was observed in 5/251040 chromosomes across populations in the Genome Aggregation Database (PMID: 32461654). The variant has been reported in ClinVar (Variation ID 127363). Functional studies have not been performed, and in silico predictions of the variant's effect on protein function are inconclusive. The overall evidence is insufficient to meet ACMG/AMP criteria for classifying it as benign or pathogenic. In summary, the clinical significance of this variant is currently uncertain.

Mendelics
Classification: Uncertain significance for Ataxia-telangiectasia syndrome. Last evaluated: 2018-07-02. Review status: criteria provided, single submitter. Criteria: Mendelics Assertion Criteria 2017. Collection method: clinical testing. Allele origin: unknown.

Natera, Inc.
Classification: Uncertain significance for Ataxia-telangiectasia. Last evaluated: 2020-10-16. Review status: no assertion criteria provided. Collection method: clinical testing. Allele origin: germline. Not counted in ClinVar's aggregate classification.

Literature cited by the submitters: PubMed 33436325 (cited by 4 submitters); PubMed 35264596 (cited by 3 submitters); PubMed 36627197 (cited by Color Diagnostics, LLC DBA Color Health and Ambry Genetics); PubMed 38003901 (cited by Color Diagnostics, LLC DBA Color Health and Ambry Genetics); PubMed 28652578 (cited by Ambry Genetics); PubMed 28779002 (cited by Ambry Genetics); PubMed 31729406 (cited by Sema4); PubMed 26181193 (cited by Sema4).